The following is an entry in ClinVar:

NM_001384732.1(CPLANE1):c.4954C>T (p.Leu1652=)

Gene: CPLANE1 (ciliogenesis and planar polarity effector complex subunit 1; minus strand). Cytogenetic location: 5p13.2.
Variant type: single nucleotide variant.
Coding change: c.4954C>T on transcript NM_001384732.1 (MANE Select); coding-DNA position 4954, C replaced by T.
Protein change: p.Leu1652=; no amino-acid change (leucine 1652 retained).
Molecular consequence: synonymous variant.
Genome position (GRCh38, 1-based): chr5:37,183,227, G>A on the plus strand (C>T on the coding strand, the complement: CPLANE1 is on the minus strand). VCF-style: chr5-37183227-G-A. GRCh37 (hg19) VCF-style: chr5-37183329-G-A.
Other names: c.4954C>T, p.Leu1652= (NM_023073.4).
Identifiers: ClinVar variation 353449 (VCV000353449.53), dbSNP rs141109938, ClinGen allele CA3238627.

ClinVar aggregate classification (germline): Conflicting classifications of pathogenicity. Review status: criteria provided, conflicting classifications (1 of 4 stars). 5 submissions from 5 submitters: Uncertain significance (1); Likely benign (4). Last evaluated 2026-01-27.

Conditions:
Joubert syndrome 17 (JBTS17). Identifiers: Orphanet 475, MedGen C3553264, MONDO:0013824, OMIM 614615.

Allele frequency attached by ClinVar (database versions not stated): ESP Exome Variant Server 0.00038; gnomAD 0.00042 and 0.00043; gnomAD exomes 0.00046 and 0.00057; TOPMed 0.00052; ExAC 0.00061.
gnomAD v4.1: 764 of 1,612,298 alleles (0.047%); highest among the groups gnomAD compares: Middle Eastern, 0.18%; 2 homozygotes.

Submissions (5):

Labcorp Genetics (formerly Invitae), Labcorp
Classification: Likely benign. Last evaluated: 2026-01-27. Review status: criteria provided, single submitter. Criteria: Invitae Variant Classification Sherloc (09022015). Collection method: clinical testing. Allele origin: germline.

CeGaT Center for Human Genetics Tuebingen
Classification: Likely benign. Last evaluated: 2025-11-01. Review status: criteria provided, single submitter. Criteria: CeGaT Center For Human Genetics Tuebingen Variant Classification Criteria Version 2. Collection method: clinical testing. Allele origin: germline. Affected: yes. Observed: 4 variant alleles.
Comment: CPLANE1: BP4, BP7

Blueprint Genetics
Classification: Likely benign. Last evaluated: 2024-11-20. Review status: criteria provided, single submitter. Criteria: ACMG Guidelines, 2015. Collection method: clinical testing. Allele origin: germline.

Illumina Laboratory Services, Illumina
Classification: Uncertain significance for Joubert syndrome 17. Last evaluated: 2018-01-13. Review status: criteria provided, single submitter. Criteria: ICSL Variant Classification Criteria 13 December 2019. Collection method: clinical testing. Allele origin: germline.

GeneDx
Classification: Likely benign. Last evaluated: 2017-11-24. Review status: criteria provided, single submitter. Criteria: GeneDx Variant Classification (06012015). Collection method: clinical testing. Allele origin: germline. Affected: yes.
Comment: This variant is considered likely benign or benign based on one or more of the following criteria: it is a conservative change, it occurs at a poorly conserved position in the protein, it is predicted to be benign by multiple in silico algorithms, and/or has population frequency not consistent with disease.